The following is an entry in ClinVar:

NM_002905.5(RDH5):c.284G>A (p.Trp95Ter)

Genes: RDH5 (retinol dehydrogenase 5; plus strand), BLOC1S1-RDH5 (BLOC1S1-RDH5 readthrough; plus strand). Cytogenetic location: 12q13.2.
Variant type: single nucleotide variant.
Coding change: c.284G>A on transcript NM_002905.5 (MANE Select); coding-DNA position 284, G replaced by A.
Protein change: p.Trp95Ter; replaces tryptophan 95 with a stop codon.
Molecular consequence: nonsense.
Genome position (GRCh38, 1-based): chr12:55,721,468, G>A. VCF-style: chr12-55721468-G-A. GRCh37 (hg19) VCF-style: chr12-56115252-G-A.
Other names: c.284G>A, p.Trp95Ter (NM_001199771.3); short protein forms W95*.
Identifiers: ClinVar variation 1458154 (VCV001458154.8), dbSNP rs1876916255, ClinGen allele CA385200365.
Genomic context (GRCh38, chr12:55,721,468, plus strand): 5'-GCCTCCACACCACCCTGTTGGATATCACTGATCCCCAGAGCGTCCAGCAGGCAGCCAAGT[G>A]GGTGGAGATGCACGTTAAGGAAGCAGGTAAGTATGGTAGACCACCAGGAATATGGTGTGG-3'

ClinVar aggregate classification (germline): Pathogenic (1 of 4 stars; one submission).

Allele frequency attached by ClinVar (database versions not stated): gnomAD exomes below 0.00001.
gnomAD v4.1: 6 of 1,610,750 alleles (0.00037%); highest among the groups gnomAD compares: Non-Finnish European, 0.00051%; no homozygotes.

Submission:

Labcorp Genetics (formerly Invitae), Labcorp
Classification: Pathogenic. Last evaluated: 2025-05-05. Review status: criteria provided, single submitter. Criteria: Invitae Variant Classification Sherloc (09022015). Collection method: clinical testing. Allele origin: germline.
Comment: This sequence change creates a premature translational stop signal (p.Trp95*) in the RDH5 gene. It is expected to result in an absent or disrupted protein product. Loss-of-function variants in RDH5 are known to be pathogenic (PMID: 11675386, 22815624). This variant is not present in population databases (gnomAD no frequency). This premature translational stop signal has been observed in individual(s) with fundus albipunctatus (PMID: 22669287). ClinVar contains an entry for this variant (Variation ID: 1458154). For these reasons, this variant has been classified as Pathogenic.

Literature cited by the submitters: PubMed 11675386; PubMed 22815624; PubMed 22669287.